The following is an entry in ClinVar:

NM_014252.4(SLC25A15):c.380C>T (p.Thr127Met)

Gene: SLC25A15 (solute carrier family 25 member 15; plus strand). Cytogenetic location: 13q14.11.
Variant type: single nucleotide variant.
Coding change: c.380C>T on transcript NM_014252.4 (MANE Select); coding-DNA position 380, C replaced by T.
Protein change: p.Thr127Met; replaces threonine 127 with methionine.
Molecular consequence: missense variant.
Genome position (GRCh38, 1-based): chr13:40,805,183, C>T. VCF-style: chr13-40805183-C-T. GRCh37 (hg19) VCF-style: chr13-41379319-C-T.
Other names: short protein forms T127M.
Identifiers: ClinVar variation 547845 (VCV000547845.18), dbSNP rs201902280, ClinGen allele CA6959708.

ClinVar aggregate classification (germline): Uncertain significance. Review status: criteria provided, multiple submitters, no conflicts (2 of 4 stars). 8 submissions from 8 submitters: Uncertain significance (8). Last evaluated 2025-12-01.

Conditions:
Hyperornithinemia-hyperammonemia-homocitrullinuria syndrome (HHHS). Also called: Ornithine translocase deficiency; HHH SYNDROME. Identifiers: Orphanet 415, MedGen C0268540, MONDO:0009393, OMIM 238970.
Inborn genetic diseases. Identifiers: MedGen C0950123, MeSH D030342.

Allele frequency attached by ClinVar (database versions not stated): gnomAD exomes 0.00006 and 0.00016; ExAC 0.00007; TOPMed 0.00008; gnomAD 0.00010 and 0.00011.
gnomAD v4.1: 250 of 1,614,042 alleles (0.015%); highest among the groups gnomAD compares: Non-Finnish European, 0.02%; no homozygotes.

Submissions (8):

GeneDx
Classification: Uncertain significance. Last evaluated: 2025-12-01. Review status: criteria provided, single submitter. Criteria: GeneDx Variant Classification Process June 2021. Collection method: clinical testing. Allele origin: germline.
Comment: Not observed at significant frequency in large population cohorts (gnomAD); In silico analysis supports that this missense variant has a deleterious effect on protein structure/function; Missense variants in this gene are a common cause of disease and they are underrepresented in the general population; Has not been previously published as pathogenic or benign to our knowledge

Blueprint Genetics
Classification: Uncertain significance. Last evaluated: 2024-08-21. Review status: criteria provided, single submitter. Criteria: ACMG Guidelines, 2015. Collection method: clinical testing. Allele origin: germline.

Ambry Genetics
Classification: Uncertain significance for Inborn genetic diseases. Last evaluated: 2024-07-10. Review status: criteria provided, single submitter. Criteria: Ambry Variant Classification Scheme 2023. Collection method: clinical testing. Allele origin: germline.

Labcorp Genetics (formerly Invitae), Labcorp
Classification: Uncertain significance for Hyperornithinemia-hyperammonemia-homocitrullinuria syndrome. Last evaluated: 2024-04-08. Review status: criteria provided, single submitter. Criteria: Invitae Variant Classification Sherloc (09022015). Collection method: clinical testing. Allele origin: germline.
Comment: This sequence change replaces threonine, which is neutral and polar, with methionine, which is neutral and non-polar, at codon 127 of the SLC25A15 protein (p.Thr127Met). This variant is present in population databases (rs201902280, gnomAD 0.01%). This variant has not been reported in the literature in individuals affected with SLC25A15-related conditions. ClinVar contains an entry for this variant (Variation ID: 547845). Advanced modeling of protein sequence and biophysical properties (such as structural, functional, and spatial information, amino acid conservation, physicochemical variation, residue mobility, and thermodynamic stability) has been performed at Invitae for this missense variant, however the output from this modeling did not meet the statistical confidence thresholds required to predict the impact of this variant on SLC25A15 protein function. In summary, the available evidence is currently insufficient to determine the role of this variant in disease. Therefore, it has been classified as a Variant of Uncertain Significance.

Department of Pathology and Laboratory Medicine, Sinai Health System
Classification: Uncertain significance for Hyperornithinemia-hyperammonemia-homocitrullinuria syndrome. Last evaluated: 2022-09-19. Review status: criteria provided, single submitter. Criteria: ACMG Guidelines, 2015. Collection method: research. Allele origin: germline.

Fulgent Genetics
Classification: Uncertain significance for Hyperornithinemia-hyperammonemia-homocitrullinuria syndrome. Last evaluated: 2018-10-31. Review status: criteria provided, single submitter. Criteria: ACMG Guidelines, 2015. Collection method: clinical testing. Allele origin: unknown.

Illumina Laboratory Services, Illumina
Classification: Uncertain significance for Hyperornithinemia-hyperammonemia-homocitrullinuria syndrome. Last evaluated: 2018-01-12. Review status: criteria provided, single submitter. Criteria: ICSL Variant Classification Criteria 13 December 2019. Collection method: clinical testing. Allele origin: germline.

Mayo Clinic Laboratories, Mayo Clinic
Classification: Uncertain significance for Hyperornithinemia-hyperammonemia-homocitrullinuria syndrome. Last evaluated: 2016-05-02. Review status: criteria provided, single submitter. Criteria: ACMG Guidelines, 2015. Collection method: clinical testing. Allele origin: paternal.